The following is an entry in ClinVar:

NM_000169.3(GLA):c.616C>T (p.Leu206Phe)

Genes: RPL36A-HNRNPH2 (RPL36A-HNRNPH2 readthrough; plus strand), GLA (galactosidase alpha; minus strand). Cytogenetic location: Xq22.1.
Variant type: single nucleotide variant.
Coding change: c.616C>T on transcript NM_000169.3 (MANE Select); coding-DNA position 616, C replaced by T.
Protein change: p.Leu206Phe; replaces leucine 206 with phenylalanine.
Molecular consequence: missense variant. On other transcripts: non-coding transcript variant (2), intron variant (2).
Genome position (GRCh38, 1-based): chrX:101,400,689, G>A on the plus strand (C>T on the coding strand, the complement: GLA is on the minus strand). VCF-style: chrX-101400689-G-A. GRCh37 (hg19) VCF-style: chrX-100655677-G-A.
Other names: c.739C>T, p.Leu247Phe (NM_001406747.1); c.616C>T, p.Leu206Phe (NM_001406748.1); c.300+5232G>A (NM_001199973.2); c.177+8867G>A (NM_001199974.2); short protein forms L206F, L247F.
Identifiers: ClinVar variation 520522 (VCV000520522.12), dbSNP rs730880448, ClinGen allele CA413927243.

ClinVar aggregate classification (germline): Uncertain significance. Review status: criteria provided, multiple submitters, no conflicts (2 of 4 stars). 6 submissions from 6 submitters: Uncertain significance (6). Last evaluated 2024-08-13.

Conditions:
Cardiovascular phenotype. Identifiers: MedGen CN230736.
Fabry disease. Also called: Fabry's disease; Angiokeratoma corporis diffusum; ALPHA-GALACTOSIDASE A DEFICIENCY; ANDERSON-FABRY DISEASE; CERAMIDE TRIHEXOSIDASE DEFICIENCY; GLA DEFICIENCY. Identifiers: Orphanet 324, MedGen C0002986, MONDO:0010526, OMIM 301500, HP:0001071. Disease mechanism: loss of function, Fabry disease is due to inactivating mutations in the X-linked GLA gene resulting in deficiency of the enzyme Alpha Galactosidase-A..
Primary familial hypertrophic cardiomyopathy (HCM). Identifiers: Orphanet 99739, MedGen C0949658, MeSH D024741, MONDO:0024573. Inheritance: Various modes of inheritance.

Submissions (6):

All of Us Research Program, National Institutes of Health
Classification: Uncertain significance for Fabry disease. Last evaluated: 2024-08-13. Review status: criteria provided, single submitter. Criteria: ACMG Guidelines, 2015. Collection method: clinical testing. Allele origin: germline. Inheritance: X-linked inheritance. Observed: 1 variant allele, 1 heterozygote.
Comment: This missense variant replaces leucine with phenylalanine at codon 206 of the GLA protein. Computational prediction suggests that this variant may not impact protein structure and function (internally defined REVEL score threshold <= 0.5, PMID: 27666373). To our knowledge, functional studies have not been reported for this variant. This variant has not been reported in individuals affected with cardiovascular disorders in the literature. This variant has not been identified in the general population by the Genome Aggregation Database (gnomAD). The available evidence is insufficient to determine the role of this variant in disease conclusively. Therefore, this variant is classified as a Variant of Uncertain Significance.

This study involves interpretation of variants in research participants for the purpose of population health screening. Participant phenotype was not available at the time of variant classification. Additional details can be found in publication PMID: 35346344, PMCID: PMC8962531

Ambry Genetics
Classification: Uncertain significance for Cardiovascular phenotype. Last evaluated: 2024-08-07. Review status: criteria provided, single submitter. Criteria: Ambry Variant Classification Scheme 2023. Collection method: clinical testing. Allele origin: germline.
Comment: The p.L206F variant (also known as c.616C>T), located in coding exon 4 of the GLA gene, results from a C to T substitution at nucleotide position 616. The leucine at codon 206 is replaced by phenylalanine, an amino acid with highly similar properties. A different variant affecting this codon (p.L206P, c.617T>C) has been reported in association with Fabry disease (Pan X et al. PLoS ONE, 2016 Aug;11:e0161330; Kim JH et al. Korean Circ J, 2017 Mar;47:278-281). This amino acid position is well conserved in available vertebrate species; however, phenylalanine is the reference amino acid in other vertebrate species. In addition, the in silico prediction for this alteration is inconclusive. Since supporting evidence is limited at this time, the clinical significance of this alteration remains unclear.

Color Diagnostics, LLC DBA Color Health
Classification: Uncertain significance for Fabry disease. Last evaluated: 2024-07-31. Review status: criteria provided, single submitter. Criteria: ACMG Guidelines, 2015. Collection method: clinical testing. Allele origin: germline.
Comment: This missense variant replaces leucine with phenylalanine at codon 206 of the GLA protein. Computational prediction tools indicate that this variant has a neutral impact on protein structure and function. To our knowledge, functional studies have not been reported for this variant. This variant has not been reported in individuals affected with GLA-related disorders in the literature. This variant has not been identified in the general population by the Genome Aggregation Database (gnomAD). The available evidence is insufficient to determine the role of this variant in disease conclusively. Therefore, this variant is classified as a Variant of Uncertain Significance.

Labcorp Genetics (formerly Invitae), Labcorp
Classification: Uncertain significance for Fabry disease. Last evaluated: 2022-03-19. Review status: criteria provided, single submitter. Criteria: Invitae Variant Classification Sherloc (09022015). Collection method: clinical testing. Allele origin: germline.
Comment: This sequence change replaces leucine, which is neutral and non-polar, with phenylalanine, which is neutral and non-polar, at codon 206 of the GLA protein (p.Leu206Phe). This variant is not present in population databases (gnomAD no frequency). This variant has not been reported in the literature in individuals affected with GLA-related conditions. ClinVar contains an entry for this variant (Variation ID: 520522). Algorithms developed to predict the effect of missense changes on protein structure and function output the following: SIFT: "Tolerated"; PolyPhen-2: "Benign"; Align-GVGD: "Class C0". The phenylalanine amino acid residue is found in multiple mammalian species, which suggests that this missense change does not adversely affect protein function. In summary, the available evidence is currently insufficient to determine the role of this variant in disease. Therefore, it has been classified as a Variant of Uncertain Significance.

Fulgent Genetics
Classification: Uncertain significance for Fabry disease. Last evaluated: 2021-10-06. Review status: criteria provided, single submitter. Criteria: ACMG Guidelines, 2015. Collection method: clinical testing. Allele origin: unknown.

Molecular Diagnostic Laboratory for Inherited Cardiovascular Disease, Montreal Heart Institute
Classification: Uncertain significance for Primary familial hypertrophic cardiomyopathy. Last evaluated: 2017-05-30. Review status: criteria provided, single submitter. Criteria: ACMG Guidelines, 2015. Collection method: clinical testing. Allele origin: germline. Affected: yes.

Literature cited by the submitters: PubMed 27560961 (cited by Ambry Genetics); PubMed 28382085 (cited by Ambry Genetics); PubMed 29121657 (cited by Ambry Genetics).